The following is an entry in ClinVar:

ClinVar aggregate classification (germline): Likely benign. Review status: criteria provided, multiple submitters, no conflicts (2 of 4 stars). 3 submissions from 3 submitters: Likely benign (3). Last evaluated 2026-09-01.

Conditions:
Familial thoracic aortic aneurysm and aortic dissection (TAAD). Also called: Thoracic aortic aneurysms and dissections. Identifiers: Orphanet 91387, MedGen C4707243, MONDO:0019625.
Adams-Oliver syndrome 5 (AOS5). Identifiers: Orphanet 974, MedGen C4014970, MONDO:0014459, OMIM 616028.

Allele frequency attached by ClinVar (database versions not stated): TOPMed 0.00005; gnomAD 0.00007 and 0.00008.
gnomAD v4.1: 26 of 1,611,950 alleles (0.0016%); highest among the groups gnomAD compares: Admixed American, 0.027%; no homozygotes.

Submissions (3):

CeGaT Center for Human Genetics Tuebingen
Classification: Likely benign. Last evaluated: 2026-09-01. Review status: criteria provided, single submitter. Criteria: CeGaT Center For Human Genetics Tuebingen Variant Classification Criteria Version 2. Collection method: clinical testing. Allele origin: germline. Affected: yes. Observed: 1 variant allele.
Comment: NOTCH1: BP4, BP7

Labcorp Genetics (formerly Invitae), Labcorp
Classification: Likely benign for Adams-Oliver syndrome 5. Last evaluated: 2025-02-18. Review status: criteria provided, single submitter. Criteria: Invitae Variant Classification Sherloc (09022015). Collection method: clinical testing. Allele origin: germline.

Ambry Genetics
Classification: Likely benign for Familial thoracic aortic aneurysm and aortic dissection. Last evaluated: 2023-08-11. Review status: criteria provided, single submitter. Criteria: Ambry Variant Classification Scheme 2023. Collection method: clinical testing. Allele origin: germline.

NM_017617.5(NOTCH1):c.3768G>A (p.Pro1256=)

Gene: NOTCH1 (notch receptor 1; minus strand). Cytogenetic location: 9q34.3.
Variant type: single nucleotide variant.
Coding change: c.3768G>A on transcript NM_017617.5 (MANE Select); coding-DNA position 3768, G replaced by A.
Protein change: p.Pro1256=; no amino-acid change (proline 1256 retained).
Molecular consequence: synonymous variant.
Genome position (GRCh38, 1-based): chr9:136,506,849, C>T on the plus strand (G>A on the coding strand, the complement: NOTCH1 is on the minus strand). VCF-style: chr9-136506849-C-T. GRCh37 (hg19) VCF-style: chr9-139401301-C-T.
Identifiers: ClinVar variation 704861 (VCV000704861.11), dbSNP rs779987984, ClinGen allele CA5340807.